The following is an entry in ClinVar:

ClinVar aggregate classification (germline): Uncertain significance. Review status: criteria provided, multiple submitters, no conflicts (2 of 4 stars). 2 submissions from 2 submitters: Uncertain significance (2). Last evaluated 2025-08-19.

Conditions:
Hereditary cancer-predisposing syndrome. Also called: Neoplastic Syndromes, Hereditary; Hereditary Cancer Syndrome; Hereditary neoplastic syndrome; Tumor predisposition. Identifiers: Orphanet 140162, MedGen C0027672, MeSH D009386, MONDO:0015356.

Submissions (2):

Ambry Genetics
Classification: Uncertain significance for Hereditary cancer-predisposing syndrome. Last evaluated: 2025-08-19. Review status: criteria provided, single submitter. Criteria: Ambry Variant Classification Scheme 2023. Collection method: clinical testing. Allele origin: germline.
Comment: The p.V134D variant (also known as c.401T>A), located in coding exon 5 of the POLE gene, results from a T to A substitution at nucleotide position 401. The valine at codon 134 is replaced by aspartic acid, an amino acid with highly dissimilar properties. This amino acid position is conserved. In addition, the in silico prediction for this alteration is inconclusive. Since supporting evidence is limited at this time, the clinical significance of this alteration remains unclear.

GeneDx
Classification: Uncertain significance. Last evaluated: 2025-04-07. Review status: criteria provided, single submitter. Criteria: GeneDx Variant Classification Process June 2021. Collection method: clinical testing. Allele origin: germline. Affected: yes.
Comment: Not observed at significant frequency in large population cohorts (gnomAD); In silico analysis supports that this missense variant has a deleterious effect on protein structure/function; Has not been previously published as pathogenic or benign to our knowledge

NM_006231.4(POLE):c.401T>A (p.Val134Asp)

Gene: POLE (DNA polymerase epsilon, catalytic subunit; minus strand). Cytogenetic location: 12q24.33.
Variant type: single nucleotide variant.
Coding change: c.401T>A on transcript NM_006231.4 (MANE Select); coding-DNA position 401, T replaced by A.
Protein change: p.Val134Asp; replaces valine 134 with aspartic acid.
Molecular consequence: missense variant.
Genome position (GRCh38, 1-based): chr12:132,679,976, A>T on the plus strand (T>A on the coding strand, the complement: POLE is on the minus strand). VCF-style: chr12-132679976-A-T. GRCh37 (hg19) VCF-style: chr12-133256562-A-T.
Other names: short protein forms V134D.
Identifiers: ClinVar variation 2562954 (VCV002562954.4), dbSNP rs2043133865, ClinGen allele CA387368043.
Genomic context (GRCh38, chr12:132,679,976, plus strand): 5'-GGCCTCATTTACCCCTGGAAAGTCTGGGTGATACTCACCAAGTCCAGATCCTCTTTGGGG[A>T]CAGTCTCCACTTTTGCAATTTTGCCCTGAAACTTCTTGGAGAGAAAAGATGAAACTTCTC-3'
Protein context (NP_006222.2, residues 124-144): FQGKIAKVET[Val134Asp]PKEDLDLPNH